The following is an entry in ClinVar:

NM_005475.3(SH2B3):c.106G>A (p.Ala36Thr)

Gene: SH2B3 (SH2B adaptor protein 3; plus strand). Cytogenetic location: 12q24.12.
Variant type: single nucleotide variant.
Coding change: c.106G>A on transcript NM_005475.3 (MANE Select); coding-DNA position 106, G replaced by A.
Protein change: p.Ala36Thr; replaces alanine 36 with threonine.
Molecular consequence: missense variant.
Genome position (GRCh38, 1-based): chr12:111,418,251, G>A. VCF-style: chr12-111418251-G-A. GRCh37 (hg19) VCF-style: chr12-111856055-G-A.
Other names: short protein forms A36T.
Identifiers: ClinVar variation 4630710 (VCV004630710.1).
Genomic context (GRCh38, chr12:111,418,251, plus strand): 5'-TCAGCCTCCCCGGCGGCGGCCCCGCGGGGCTGGAGCGAGTTCTGTGAGTTGCACGCCGTA[G>A]CGGCGGCCCGGGAGCTGGCCCGCCAGTACTGGCTGTTCGCCCGGGAGCATCCGCAGCACG-3'
Protein context (NP_005466.1, residues 26-46): WSEFCELHAV[Ala36Thr]AARELARQYW

ClinVar aggregate classification (germline): Uncertain significance (1 of 4 stars; one submission).

Conditions:
Inborn genetic diseases. Identifiers: MedGen C0950123, MeSH D030342.

Submission:

Ambry Genetics
Classification: Uncertain significance for Inborn genetic diseases. Last evaluated: 2025-10-12. Review status: criteria provided, single submitter. Criteria: Ambry Variant Classification Scheme 2023. Collection method: clinical testing. Allele origin: germline.
Comment: The p.A36T variant (also known as c.106G>A), located in coding exon 1 of the SH2B3 gene, results from a G to A substitution at nucleotide position 106. The alanine at codon 36 is replaced by threonine, an amino acid with similar properties. This amino acid position is conserved. In addition, this alteration is predicted to be tolerated by in silico analysis. Based on the available evidence, the clinical significance of this variant remains unclear.